The following is an entry in ClinVar:

NM_000321.3(RB1):c.540-1G>C

Gene: RB1 (RB transcriptional corepressor 1; plus strand). Cytogenetic location: 13q14.2.
Variant type: single nucleotide variant.
Coding change: c.540-1G>C on transcript NM_000321.3 (MANE Select); the canonical splice acceptor site of the intron before coding-DNA position 540, G replaced by C.
Molecular consequence: splice acceptor variant.
Genome position (GRCh38, 1-based): chr13:48,348,955, G>C. VCF-style: chr13-48348955-G-C. GRCh37 (hg19) VCF-style: chr13-48923091-G-C.
Other names: c.540-1G>C (NM_001407165.1, NM_001407166.1, NM_000321.2).
Identifiers: ClinVar variation 3237135 (VCV003237135.2), dbSNP rs2542165690.

ClinVar aggregate classification (germline): Pathogenic. Review status: criteria provided, multiple submitters, no conflicts (2 of 4 stars). 2 submissions from 2 submitters: Pathogenic (2). Last evaluated 2025-03-27.

Conditions:
Hereditary cancer-predisposing syndrome. Also called: Neoplastic Syndromes, Hereditary; Tumor predisposition; Hereditary neoplastic syndrome; Hereditary Cancer Syndrome. Identifiers: Orphanet 140162, MedGen C0027672, MeSH D009386, MONDO:0015356.
Retinoblastoma (RB1). Also called: RETINOBLASTOMA, SOMATIC. Identifiers: Orphanet 790, MedGen C0035335, MeSH D012175, MONDO:0008380, OMIM 180200, HP:0009919. Disease mechanism: loss of function. Inheritance: Both sporadic and heritable forms are tested..

Submissions (2):

Ambry Genetics
Classification: Pathogenic for Hereditary cancer-predisposing syndrome. Last evaluated: 2025-03-27. Review status: criteria provided, single submitter. Criteria: Ambry Variant Classification Scheme 2023. Collection method: clinical testing. Allele origin: germline.
Comment: The c.540-1G>C intronic pathogenic mutation results from a G to C substitution one nucleotide upstream from coding exon 6 of the RB1 gene. Alterations that disrupt the canonical splice site are expected to cause aberrant splicing, resulting in an abnormal protein or a transcript that is subject to nonsense-mediated mRNA decay. In silico splice site analysis predicts that this alteration will weaken the native splice acceptor site and may result in the creation or strengthening of a novel splice acceptor site. RNA studies have demonstrated that this alteration results in abnormal splicing in the set of samples tested (Ambry internal data). This variant was reported in individual(s) with features consistent with RB1-related hereditary retinoblastoma; in at least one individual, it was determined to be de novo (personal communication). Other variant(s) impacting the same acceptor site (c.540-1G>T) have been identified in individual(s) with features consistent with RB1-related hereditary retinoblastoma, in at least one individual, it was determined to be de novo (Zou Y et al. Mol Vis, 2021 Jan;27:1-16). This nucleotide position is highly conserved in available vertebrate species. This variant is considered to be rare based on population cohorts in the Genome Aggregation Database (gnomAD). Based on the supporting evidence, this variant is interpreted as a disease-causing mutation.

Genetic Diagnostic Laboratory, University of Pennsylvania School of Medicine
Classification: Pathogenic for Retinoblastoma. Last evaluated: 2024-05-20. Review status: criteria provided, single submitter. Criteria: ACMG Guidelines, 2015. Collection method: clinical testing. Allele origin: germline. Affected: yes. Observed: 1 variant allele.
Comment: Case and Pedigree Information: BILATERAL CASES:1, UNILATERAL CASES:0, TOTAL CASES:1, PEDIGREES:1. ACMG Codes Applied:PVS1, PM2

Literature cited by the submitters: PubMed 33456302 (cited by Ambry Genetics).